The following is an entry in ClinVar:

NM_177924.5(ASAH1):c.785+4A>C

Gene: ASAH1 (N-acylsphingosine amidohydrolase 1; minus strand). Cytogenetic location: 8p22.
Variant type: single nucleotide variant.
Coding change: c.785+4A>C on transcript NM_177924.5 (MANE Select); 4 bases into the intron after coding-DNA position 785, A replaced by C.
Molecular consequence: intron variant.
Genome position (GRCh38, 1-based): chr8:18,061,373, T>G on the plus strand (A>C on the coding strand, the complement: ASAH1 is on the minus strand). VCF-style: chr8-18061373-T-G. GRCh37 (hg19) VCF-style: chr8-17918882-T-G.
Other names: c.833+4A>C (NM_004315.6); c.767+4A>C (NM_001127505.3); c.590+4A>C (NM_001363743.2).
Identifiers: ClinVar variation 2133017 (VCV002133017.4), dbSNP rs1183559011, ClinGen allele CA2580078024.
Genomic context (GRCh38, chr8:18,061,373, plus strand): 5'-TTTTATTTTTTAATATGAGTAATTTAAAATAAATATTTAATAGTAAAGCAACGAAACACT[T>G]TACCTTGTGCTATTTTCCAGAACTGTTCTAGTGAGGAACCCTATCCACATGACATCTTTC-3'

ClinVar aggregate classification (germline): Uncertain significance (1 of 4 stars; one submission).

Submission:

Labcorp Genetics (formerly Invitae), Labcorp
Classification: Uncertain significance. Last evaluated: 2022-05-12. Review status: criteria provided, single submitter. Criteria: Invitae Variant Classification Sherloc (09022015). Collection method: clinical testing. Allele origin: germline.
Comment: Variants that disrupt the consensus splice site are a relatively common cause of aberrant splicing (PMID: 17576681, 9536098). Algorithms developed to predict the effect of sequence changes on RNA splicing suggest that this variant is not likely to affect RNA splicing. In summary, the available evidence is currently insufficient to determine the role of this variant in disease. Therefore, it has been classified as a Variant of Uncertain Significance. This variant has not been reported in the literature in individuals affected with ASAH1-related conditions. This sequence change falls in intron 10 of the ASAH1 gene. It does not directly change the encoded amino acid sequence of the ASAH1 protein. It affects a nucleotide within the consensus splice site. This variant is not present in population databases (gnomAD no frequency).

Literature cited by the submitters: PubMed 17576681; PubMed 9536098.